The following is an entry in ClinVar:

NM_024529.5(CDC73):c.1436A>G (p.Lys479Arg)

Gene: CDC73 (cell division cycle 73; plus strand). Cytogenetic location: 1q31.2.
Variant type: single nucleotide variant.
Coding change: c.1436A>G on transcript NM_024529.5 (MANE Select); coding-DNA position 1436, A replaced by G.
Protein change: p.Lys479Arg; replaces lysine 479 with arginine.
Molecular consequence: missense variant.
Genome position (GRCh38, 1-based): chr1:193,249,748, A>G. VCF-style: chr1-193249748-A-G. GRCh37 (hg19) VCF-style: chr1-193218878-A-G.
Other names: short protein forms K479R.
Identifiers: ClinVar variation 5033846 (VCV005033846.1).

ClinVar aggregate classification (germline): Uncertain significance (1 of 4 stars; one submission).

Conditions:
Hereditary cancer-predisposing syndrome. Also called: Neoplastic Syndromes, Hereditary; Tumor predisposition; Hereditary neoplastic syndrome; Hereditary Cancer Syndrome. Identifiers: Orphanet 140162, MedGen C0027672, MeSH D009386, MONDO:0015356.

Submission:

Ambry Genetics
Classification: Uncertain significance for Hereditary cancer-predisposing syndrome. Last evaluated: 2026-08-08. Review status: criteria provided, single submitter. Criteria: Ambry Variant Classification Scheme 2023. Collection method: clinical testing. Allele origin: germline.
Comment: The p.K479R variant (also known as c.1436A>G), located in coding exon 16 of the CDC73 gene, results from an A to G substitution at nucleotide position 1436. The lysine at codon 479 is replaced by arginine, an amino acid with highly similar properties. This amino acid position is conserved. In addition, the in silico prediction for this alteration is inconclusive. Based on the available evidence, the clinical significance of this variant remains unclear.